The following is an entry in ClinVar:

ClinVar aggregate classification (germline): Conflicting classifications of pathogenicity. Review status: criteria provided, conflicting classifications (1 of 4 stars). 3 submissions from 3 submitters: Uncertain significance (1); Likely benign (2). Last evaluated 2025-12-31.

Conditions:
Familial isolated arrhythmogenic right ventricular dysplasia. Identifiers: Orphanet 217656, MedGen C4274968, MONDO:0016342.
Arrhythmogenic right ventricular dysplasia 11. Also called: Arrhythmogenic Right Ventricular Dysplasia/Cardiomyopathy11; ARRHYTHMOGENIC RIGHT VENTRICULAR DYSPLASIA, FAMILIAL, 11; Arrhythmogenic right ventricular dysplasia 11 with mild palmoplantar keratoderma and woolly hair. Identifiers: MedGen C1864850, MONDO:0012506, OMIM 610476.
Cardiomyopathy (CMYO). Also called: Cardiomyopathies. Identifiers: Orphanet 167848, MedGen C0878544, MONDO:0004994, HP:0001638. Inheritance: Various modes of inheritance.

Allele frequency attached by ClinVar (database versions not stated): TOPMed 0.00006; gnomAD exomes 0.00001; gnomAD 0.00005 and 0.00006.
gnomAD v4.1: 21 of 1,613,324 alleles (0.0013%); highest among the groups gnomAD compares: African/African-American, 0.023%; no homozygotes.

Submissions (3):

Labcorp Genetics (formerly Invitae), Labcorp
Classification: Likely benign for Arrhythmogenic right ventricular dysplasia 11. Last evaluated: 2025-12-31. Review status: criteria provided, single submitter. Criteria: Invitae Variant Classification Sherloc (09022015). Collection method: clinical testing. Allele origin: germline.

Color Diagnostics, LLC DBA Color Health
Classification: Likely benign for Cardiomyopathy. Last evaluated: 2025-08-25. Review status: criteria provided, single submitter. Criteria: ACMG Guidelines, 2015. Collection method: clinical testing. Allele origin: germline.

All of Us Research Program, National Institutes of Health
Classification: Uncertain significance for Familial isolated arrhythmogenic right ventricular dysplasia. Last evaluated: 2023-10-06. Review status: criteria provided, single submitter. Criteria: ACMG Guidelines, 2015. Collection method: clinical testing. Allele origin: germline. Inheritance: Autosomal dominant inheritance. Observed: 3 variant alleles, 3 heterozygotes.
Comment: This variant causes a C to G nucleotide substitution at the -7 position of intron 13 of the DSC2 gene. To our knowledge, functional studies have not been reported for this variant. This variant has not been reported in individuals affected with DSC2-related disorders in the literature. This variant has been identified in 3/251056 chromosomes in the general population by the Genome Aggregation Database (gnomAD). The available evidence is insufficient to determine the role of this variant in disease conclusively. Therefore, this variant is classified as a Variant of Uncertain Significance.

This study involves interpretation of variants in research participants for the purpose of population health screening. Participant phenotype was not available at the time of variant classification. Additional details can be found in publication PMID: 35346344, PMCID: PMC8962531

NM_024422.6(DSC2):c.2126-7C>G

Gene: DSC2 (desmocollin 2; minus strand). Cytogenetic location: 18q12.1.
Variant type: single nucleotide variant.
Coding change: c.2126-7C>G on transcript NM_024422.6 (MANE Select); 7 bases into the intron before coding-DNA position 2126, C replaced by G.
Molecular consequence: intron variant.
Genome position (GRCh38, 1-based): chr18:31,070,857, G>C on the plus strand (C>G on the coding strand, the complement: DSC2 is on the minus strand). VCF-style: chr18-31070857-G-C. GRCh37 (hg19) VCF-style: chr18-28650823-G-C.
Other names: c.2126-7C>G (NM_004949.5).
Identifiers: ClinVar variation 468374 (VCV000468374.10), dbSNP rs936641955, ClinGen allele CA297687921.